The following is an entry in ClinVar:

NM_178857.6(RP1L1):c.4927C>T (p.Leu1643=)

Gene: RP1L1 (RP1 like 1). Cytogenetic location: 8p23.1.
Variant type: single nucleotide variant.
Coding change: c.4927C>T on transcript NM_178857.6 (MANE Select); coding-DNA position 4927, C replaced by T.
Protein change: p.Leu1643=; no amino-acid change (leucine 1643 retained).
Molecular consequence: synonymous variant.
Genome position (GRCh38, 1-based): chr8:10,609,171, G>A on the plus strand (C>T on the coding strand, the complement: RP1L1 is on the minus strand). VCF-style: chr8-10609171-G-A. GRCh37 (hg19) VCF-style: chr8-10466681-G-A.
Other names: c.4927C>T (NM_178857.5).
Identifiers: ClinVar variation 4899009 (VCV004899009.2).

ClinVar aggregate classification (germline): Benign/Likely benign. Review status: criteria provided, multiple submitters, no conflicts (2 of 4 stars). 2 submissions from 2 submitters: Benign (1); Likely benign (1). Last evaluated 2026-03-05.

Conditions:
RP1L1-related disorder. Also called: RP1L1-related condition.

gnomAD v4.1: 127 of 1,612,378 alleles (0.0079%); highest among the groups gnomAD compares: South Asian, 0.13%; 1 homozygote.

Submissions (2):

PreventionGenetics, part of Exact Sciences
Classification: Likely benign for RP1L1-related condition. Last evaluated: 2026-03-05. Review status: criteria provided, single submitter. Criteria: ACMG Guidelines, 2015. Collection method: clinical testing. Allele origin: germline.
Comment: This variant is classified as likely benign based on ACMG/AMP sequence variant interpretation guidelines (Richards et al. 2015 PMID: 25741868, with internal and published modifications).

Blueprint Genetics
Classification: Benign. Last evaluated: 2024-08-19. Review status: criteria provided, single submitter. Criteria: ACMG Guidelines, 2015. Collection method: clinical testing. Allele origin: germline.